The following is an entry in ClinVar:

NM_000089.4(COL1A2):c.3277G>C (p.Gly1093Arg)

Gene: COL1A2 (collagen type I alpha 2 chain; plus strand). Cytogenetic location: 7q21.3.
Variant type: single nucleotide variant.
Coding change: c.3277G>C on transcript NM_000089.4 (MANE Select); coding-DNA position 3277, G replaced by C.
Protein change: p.Gly1093Arg; replaces glycine 1093 with arginine.
Molecular consequence: missense variant.
Genome position (GRCh38, 1-based): chr7:94,427,636, G>C. VCF-style: chr7-94427636-G-C. GRCh37 (hg19) VCF-style: chr7-94056948-G-C.
Other names: c.3277G>C (NM_000089.3); short protein forms G1093R.
Identifiers: ClinVar variation 1451958 (VCV001451958.9), dbSNP rs2115959456, ClinGen allele CA368225638.

ClinVar aggregate classification (germline): Pathogenic. Review status: criteria provided, multiple submitters, no conflicts (2 of 4 stars). 2 submissions from 2 submitters: Pathogenic (2). Last evaluated 2024-08-02.

Conditions:
Ehlers-Danlos syndrome, classic type, 1 (EDSCL1). Also called: EHLERS-DANLOS SYNDROME, GRAVIS TYPE; EHLERS-DANLOS SYNDROME, SEVERE CLASSIC TYPE; Ehlers-Danlos syndrome, type 1; Ehlers-Danlos Syndrome, Classic Type, COL5A1-Related; EDS I. Identifiers: MedGen C0268335, MONDO:0019567, OMIM 130000.
Osteogenesis imperfecta type I (OI1). Also called: OI, TYPE I; OSTEOGENESIS IMPERFECTA TARDA; OSTEOGENESIS IMPERFECTA WITH BLUE SCLERAE; Osteogenesis imperfecta type 1; Lobstein's Disease; Lobstein disease. Identifiers: Orphanet 216796, Orphanet 666, MedGen C0023931, MONDO:0008146, OMIM 166200. Disease mechanism: loss of function.

Submissions (2):

GeneDx
Classification: Pathogenic. Last evaluated: 2024-08-02. Review status: criteria provided, single submitter. Criteria: GeneDx Variant Classification Process June 2021. Collection method: clinical testing. Allele origin: germline. Affected: yes.
Comment: Occurs in the triple helical domain and replaces a glycine in a canonical Gly-X-Y repeat; missense substitution of a canonical glycine residue is expected to disrupt normal protein folding and function, and this is an established mechanism of disease (PMID: 34007986); Not observed at significant frequency in large population cohorts (gnomAD); In silico analysis supports that this missense variant has a deleterious effect on protein structure/function; This variant is associated with the following publications: (PMID: 34007986, 33939306)

Labcorp Genetics (formerly Invitae), Labcorp
Classification: Pathogenic for Osteogenesis imperfecta type I; Ehlers-Danlos syndrome, classic type, 1. Last evaluated: 2022-07-12. Review status: criteria provided, single submitter. Criteria: Invitae Variant Classification Sherloc (09022015). Collection method: clinical testing. Allele origin: germline.
Comment: ClinVar contains an entry for this variant (Variation ID: 1451958). This missense change has been observed in individual(s) with autosomal dominant osteogenesis imperfecta (PMID: 33939306; Invitae). This variant is not present in population databases (gnomAD no frequency). This sequence change replaces glycine, which is neutral and non-polar, with arginine, which is basic and polar, at codon 1093 of the COL1A2 protein (p.Gly1093Arg). Advanced modeling of protein sequence and biophysical properties (such as structural, functional, and spatial information, amino acid conservation, physicochemical variation, residue mobility, and thermodynamic stability) performed at Invitae indicates that this missense variant is expected to disrupt COL1A2 protein function. For these reasons, this variant has been classified as Pathogenic. This variant disrupts the p.Gly1093 amino acid residue in COL1A2. Other variant(s) that disrupt this residue have been observed in individuals with COL1A2-related conditions (PMID: 25086671, 27509835; Invitae), which suggests that this may be a clinically significant amino acid residue. This variant disrupts the triple helix domain of COL1A2. Glycine residues within the Gly-Xaa-Yaa repeats of the triple helix domain are required for the structure and stability of fibrillar collagens (PMID: 7695699, 8218237, 19344236). In COL1A2, variants affecting these glycine residues are significantly enriched in individuals with disease (PMID: 9016532, 17078022) compared to the general population (ExAC).

Literature cited by the submitters: PubMed 33939306 (cited by Labcorp Genetics (formerly Invitae), Labcorp); PubMed 25086671 (cited by Labcorp Genetics (formerly Invitae), Labcorp); PubMed 27509835 (cited by Labcorp Genetics (formerly Invitae), Labcorp); PubMed 7695699 (cited by Labcorp Genetics (formerly Invitae), Labcorp); PubMed 8218237 (cited by Labcorp Genetics (formerly Invitae), Labcorp); PubMed 19344236 (cited by Labcorp Genetics (formerly Invitae), Labcorp); PubMed 9016532 (cited by Labcorp Genetics (formerly Invitae), Labcorp); PubMed 17078022 (cited by Labcorp Genetics (formerly Invitae), Labcorp).